The following is an entry in ClinVar:

NM_006231.4(POLE):c.674A>G (p.Asp225Gly)

Gene: POLE (DNA polymerase epsilon, catalytic subunit; minus strand). Cytogenetic location: 12q24.33.
Variant type: single nucleotide variant.
Coding change: c.674A>G on transcript NM_006231.4 (MANE Select); coding-DNA position 674, A replaced by G.
Protein change: p.Asp225Gly; replaces aspartic acid 225 with glycine.
Molecular consequence: missense variant.
Genome position (GRCh38, 1-based): chr12:132,677,624, T>C on the plus strand (A>G on the coding strand, the complement: POLE is on the minus strand). VCF-style: chr12-132677624-T-C. GRCh37 (hg19) VCF-style: chr12-133254210-T-C.
Other names: short protein forms D225G.
Identifiers: ClinVar variation 964265 (VCV000964265.13), dbSNP rs1259506536, ClinGen allele CA387364861.

ClinVar aggregate classification (germline): Uncertain significance. Review status: criteria provided, multiple submitters, no conflicts (2 of 4 stars). 2 submissions from 2 submitters: Uncertain significance (2). Last evaluated 2025-07-14.

Conditions:
Hereditary cancer-predisposing syndrome. Also called: Tumor predisposition; Hereditary neoplastic syndrome; Hereditary Cancer Syndrome; Neoplastic Syndromes, Hereditary. Identifiers: Orphanet 140162, MedGen C0027672, MeSH D009386, MONDO:0015356.

Allele frequency attached by ClinVar (database versions not stated): gnomAD 0.00001; TOPMed 0.00001.
gnomAD v4.1: 2 of 1,614,048 alleles (0.00012%); highest among the groups gnomAD compares: African/African-American, 0.0027%; no homozygotes.

Submissions (2):

Labcorp Genetics (formerly Invitae), Labcorp
Classification: Uncertain significance. Last evaluated: 2025-07-14. Review status: criteria provided, single submitter. Criteria: Invitae Variant Classification Sherloc (09022015). Collection method: clinical testing. Allele origin: germline.
Comment: This sequence change replaces aspartic acid, which is acidic and polar, with glycine, which is neutral and non-polar, at codon 225 of the POLE protein (p.Asp225Gly). This variant is not present in population databases (gnomAD no frequency). This variant has not been reported in the literature in individuals affected with POLE-related conditions. ClinVar contains an entry for this variant (Variation ID: 964265). Invitae Evidence Modeling of protein sequence and biophysical properties (such as structural, functional, and spatial information, amino acid conservation, physicochemical variation, residue mobility, and thermodynamic stability) indicates that this missense variant is expected to disrupt POLE protein function with a positive predictive value of 80%. In summary, the available evidence is currently insufficient to determine the role of this variant in disease. Therefore, it has been classified as a Variant of Uncertain Significance.

Ambry Genetics
Classification: Uncertain significance for Hereditary cancer-predisposing syndrome. Last evaluated: 2024-12-06. Review status: criteria provided, single submitter. Criteria: Ambry Variant Classification Scheme 2023. Collection method: clinical testing. Allele origin: germline.
Comment: The p.D225G variant (also known as c.674A>G), located in coding exon 7 of the POLE gene, results from an A to G substitution at nucleotide position 674. The aspartic acid at codon 225 is replaced by glycine, an amino acid with similar properties. This amino acid position is highly conserved in available vertebrate species. In addition, this alteration is predicted to be deleterious by in silico analysis. Based on the available evidence, the clinical significance of this variant remains unclear.